The following is an entry in ClinVar:

NM_001283009.2(RTEL1):c.1952G>A (p.Arg651His)

Genes: RTEL1 (regulator of telomere elongation helicase 1; plus strand), RTEL1-TNFRSF6B (RTEL1-TNFRSF6B readthrough (NMD candidate); plus strand). Cytogenetic location: 20q13.33.
Variant type: single nucleotide variant.
Coding change: c.1952G>A on transcript NM_001283009.2 (MANE Select); coding-DNA position 1952, G replaced by A.
Protein change: p.Arg651His; replaces arginine 651 with histidine.
Molecular consequence: missense variant. On other transcripts: non-coding transcript variant (1).
Genome position (GRCh38, 1-based): chr20:63,689,575, G>A. VCF-style: chr20-63689575-G-A. GRCh37 (hg19) VCF-style: chr20-62320928-G-A.
Other names: c.1283G>A, p.Arg428His (NM_001283010.1); c.1952G>A, p.Arg651His (NM_016434.4); c.2024G>A, p.Arg675His (NM_032957.5); c.2024G>A (NM_032957.4); short protein forms R428H, R651H, R675H.
Identifiers: ClinVar variation 1495228 (VCV001495228.9), dbSNP rs773159241, ClinGen allele CA317512801.

ClinVar aggregate classification (germline): Uncertain significance. Review status: criteria provided, multiple submitters, no conflicts (2 of 4 stars). 3 submissions from 3 submitters: Uncertain significance (3). Last evaluated 2025-02-05.

Conditions:
Pulmonary fibrosis and/or bone marrow failure, Telomere-related, 3. Also called: PULMONARY FIBROSIS AND/OR BONE MARROW FAILURE SYNDROME, TELOMERE-RELATED, 3. Identifiers: Orphanet 2032, MedGen C4225346, MONDO:0014613, OMIM 616373.
Dyskeratosis congenita, autosomal recessive 5 (DKCB5). Identifiers: MedGen C3554656, MONDO:0014076, OMIM 615190.
Inborn genetic diseases. Identifiers: MedGen C0950123, MeSH D030342.

gnomAD v4.1: 6 of 1,612,260 alleles (0.00037%); highest among the groups gnomAD compares: Non-Finnish European, 0.00051%; no homozygotes.

Submissions (3):

Ambry Genetics
Classification: Uncertain significance for Inborn genetic diseases. Last evaluated: 2025-02-05. Review status: criteria provided, single submitter. Criteria: Ambry Variant Classification Scheme 2023. Collection method: clinical testing. Allele origin: germline.

Labcorp Genetics (formerly Invitae), Labcorp
Classification: Uncertain significance for Dyskeratosis congenita, autosomal recessive 5; Pulmonary fibrosis and/or bone marrow failure, Telomere-related, 3. Last evaluated: 2024-04-20. Review status: criteria provided, single submitter. Criteria: Invitae Variant Classification Sherloc (09022015). Collection method: clinical testing. Allele origin: germline.
Comment: This sequence change replaces arginine, which is basic and polar, with histidine, which is basic and polar, at codon 651 of the RTEL1 protein (p.Arg651His). This variant is not present in population databases (gnomAD no frequency). This variant has not been reported in the literature in individuals affected with RTEL1-related conditions. This variant is also known as NM_032957.4: c.2024G>A (p.Arg675His). ClinVar contains an entry for this variant (Variation ID: 1495228). An algorithm developed to predict the effect of missense changes on protein structure and function (PolyPhen-2) suggests that this variant is likely to be disruptive. In summary, the available evidence is currently insufficient to determine the role of this variant in disease. Therefore, it has been classified as a Variant of Uncertain Significance.

Blueprint Genetics
Classification: Uncertain significance. Last evaluated: 2021-12-03. Review status: criteria provided, single submitter. Criteria: ACMG Guidelines, 2015. Collection method: clinical testing. Allele origin: germline.